The following is an entry in ClinVar:

NM_020738.4(KIDINS220):c.974A>G (p.Asn325Ser)

Gene: KIDINS220 (kinase D interacting substrate 220; minus strand). Cytogenetic location: 2p25.1.
Variant type: single nucleotide variant.
Coding change: c.974A>G on transcript NM_020738.4 (MANE Select); coding-DNA position 974, A replaced by G.
Protein change: p.Asn325Ser; replaces asparagine 325 with serine.
Molecular consequence: missense variant. On other transcripts: non-coding transcript variant (2).
Genome position (GRCh38, 1-based): chr2:8,798,227, T>C on the plus strand (A>G on the coding strand, the complement: KIDINS220 is on the minus strand). VCF-style: chr2-8798227-T-C. GRCh37 (hg19) VCF-style: chr2-8938357-T-C.
Other names: c.977A>G, p.Asn326Ser (NM_001348729.2, NM_001348731.2, NM_001348734.2 and 3 more transcripts); c.974A>G, p.Asn325Ser (NM_001348732.2, NM_001348735.2, NM_001348738.2 and 3 more transcripts); c.848A>G, p.Asn283Ser (NM_001348736.2); c.974A>G (NM_020738.2); short protein forms N325S, N326S, N283S.
Identifiers: ClinVar variation 441104 (VCV000441104.13), dbSNP rs77973158, ClinGen allele CA1520299.

ClinVar aggregate classification (germline): Conflicting classifications of pathogenicity. Review status: criteria provided, conflicting classifications (1 of 4 stars). 3 submissions from 3 submitters: Uncertain significance (2); Likely benign (1). Last evaluated 2026-06-08.

Conditions:
KIDINS220-related disorder. Also called: KIDINS220-related condition.
Spastic paraplegia, intellectual disability, nystagmus, and obesity. Also called: Spastic paraplegia, intellectual disability, nystagmus, and obesity;. Identifiers: Orphanet 521390, MedGen C4284592, MONDO:0015007, OMIM 617296.
Inborn genetic diseases. Identifiers: MedGen C0950123, MeSH D030342.

Allele frequency attached by ClinVar (database versions not stated): gnomAD exomes 0.00012 and 0.00022; 1000 Genomes Project 0.00020; ExAC 0.00022; gnomAD 0.00024; TOPMed 0.00024; 1000 Genomes Project 30x 0.00031; ESP Exome Variant Server 0.00042.
gnomAD v4.1: 217 of 1,610,492 alleles (0.013%); highest among the groups gnomAD compares: Admixed American, 0.04%; no homozygotes.

Submissions (3):

PreventionGenetics, part of Exact Sciences
Classification: Uncertain significance for KIDINS220-related condition. Last evaluated: 2026-06-08. Review status: criteria provided, single submitter. Criteria: ACMG Guidelines, 2015. Collection method: clinical testing. Allele origin: germline.
Comment: The KIDINS220 c.974A>G variant is predicted to result in the amino acid substitution p.Asn325Ser. To our knowledge, this variant has not been reported in the literature. This variant is reported in 0.082% of alleles in individuals of East Asian descent in gnomAD, which may be too frequent to be a primary cause of disease. Although we suspect that this variant may be benign, at this time, the clinical significance of this variant is uncertain due to the absence of conclusive functional and genetic evidence.

Labcorp Genetics (formerly Invitae), Labcorp
Classification: Uncertain significance. Last evaluated: 2025-01-15. Review status: criteria provided, single submitter. Criteria: Invitae Variant Classification Sherloc (09022015). Collection method: clinical testing. Allele origin: germline.
Comment: This sequence change replaces asparagine, which is neutral and polar, with serine, which is neutral and polar, at codon 325 of the KIDINS220 protein (p.Asn325Ser). This variant is present in population databases (rs77973158, gnomAD 0.08%). This variant has not been reported in the literature in individuals affected with KIDINS220-related conditions. ClinVar contains an entry for this variant (Variation ID: 441104). An algorithm developed to predict the effect of missense changes on protein structure and function (PolyPhen-2) suggests that this variant¬†is likely to be tolerated. In summary, the available evidence is currently insufficient to determine the role of this variant in disease. Therefore, it has been classified as a Variant of Uncertain Significance.

Ambry Genetics
Classification: Likely benign for Inborn genetic diseases. Last evaluated: 2022-04-12. Review status: criteria provided, single submitter. Criteria: Ambry Variant Classification Scheme 2023. Collection method: clinical testing. Allele origin: germline.